The following is an entry in ClinVar:

NM_014425.5(INVS):c.3016+5C>T

Gene: INVS (inversin; plus strand). Cytogenetic location: 9q31.1.
Variant type: single nucleotide variant.
Coding change: c.3016+5C>T on transcript NM_014425.5 (MANE Select); 5 bases into the intron after coding-DNA position 3016, C replaced by T.
Molecular consequence: intron variant.
Genome position (GRCh38, 1-based): chr9:100,297,151, C>T. VCF-style: chr9-100297151-C-T. GRCh37 (hg19) VCF-style: chr9-103059433-C-T.
Other names: c.2728+5C>T (NM_001318381.2); c.2038+5C>T (NM_001318382.2).
Identifiers: ClinVar variation 290948 (VCV000290948.13), dbSNP rs142606077, ClinGen allele CA5158744.

ClinVar aggregate classification (germline): Conflicting classifications of pathogenicity. Review status: criteria provided, conflicting classifications (1 of 4 stars). 4 submissions from 4 submitters: Uncertain significance (3); Likely benign (1). Last evaluated 2024-02-24.

Conditions:
Nephronophthisis. Also called: Juvenile Nephronophthisis. Identifiers: Orphanet 655, MedGen C0687120, MONDO:0019005, HP:0000090.
Kidney failure. Identifiers: MedGen C0035078, MONDO:0001106.

Allele frequency attached by ClinVar (database versions not stated): gnomAD 0.00001; gnomAD exomes 0.00001; TOPMed 0.00001; ExAC 0.00003; 1000 Genomes Project 30x 0.00031; 1000 Genomes Project 0.00040.
gnomAD v4.1: 26 of 1,610,680 alleles (0.0016%); highest among the groups gnomAD compares: Middle Eastern, 0.05%; no homozygotes.

Submissions (4):

Labcorp Genetics (formerly Invitae), Labcorp
Classification: Uncertain significance for Nephronophthisis. Last evaluated: 2024-02-24. Review status: criteria provided, single submitter. Criteria: Invitae Variant Classification Sherloc (09022015). Collection method: clinical testing. Allele origin: germline.
Comment: This sequence change falls in intron 15 of the INVS gene. It does not directly change the encoded amino acid sequence of the INVS protein. It affects a nucleotide within the consensus splice site. This variant is present in population databases (rs142606077, gnomAD 0.007%). This variant has not been reported in the literature in individuals affected with INVS-related conditions. ClinVar contains an entry for this variant (Variation ID: 290948). Variants that disrupt the consensus splice site are a relatively common cause of aberrant splicing (PMID: 17576681, 9536098). Algorithms developed to predict the effect of sequence changes on RNA splicing suggest that this variant is not likely to affect RNA splicing. In summary, the available evidence is currently insufficient to determine the role of this variant in disease. Therefore, it has been classified as a Variant of Uncertain Significance.

Blueprint Genetics
Classification: Likely benign. Last evaluated: 2023-11-23. Review status: criteria provided, single submitter. Criteria: ACMG Guidelines, 2015. Collection method: clinical testing. Allele origin: germline.

Cambridge Genomics Laboratory, East Genomic Laboratory Hub, NHS Genomic Medicine Service
Classification: Uncertain significance for Kidney failure. Last evaluated: 2020-04-22. Review status: criteria provided, single submitter. Criteria: ACGS Best Practice Guidelines for Variant Classification in Rare Disease 2020. Collection method: clinical testing. Allele origin: germline. Affected: yes. Observed: 1 variant allele.

Eurofins Ntd Llc (ga)
Classification: Uncertain significance. Last evaluated: 2016-08-26. Review status: criteria provided, single submitter. Criteria: EGL Classification Definitions 2015. Collection method: clinical testing. Allele origin: germline. Observed: 1 variant allele, 1 heterozygote.

Literature cited by the submitters: PubMed 17576681 (cited by Labcorp Genetics (formerly Invitae), Labcorp); PubMed 9536098 (cited by Labcorp Genetics (formerly Invitae), Labcorp).